The following is an entry in ClinVar:

NM_006941.4(SOX10):c.537G>C (p.Lys179Asn)

Genes: POLR2F (RNA polymerase II, I and III subunit F; plus strand), SOX10 (SRY-box transcription factor 10; minus strand). Cytogenetic location: 22q13.1.
Variant type: single nucleotide variant.
Coding change: c.537G>C on transcript NM_006941.4 (MANE Select); coding-DNA position 537, G replaced by C.
Protein change: p.Lys179Asn; replaces lysine 179 with asparagine.
Molecular consequence: missense variant. On other transcripts: intron variant (3).
Genome position (GRCh38, 1-based): chr22:37,978,027, C>G on the plus strand (G>C on the coding strand, the complement: SOX10 is on the minus strand). VCF-style: chr22-37978027-C-G. GRCh37 (hg19) VCF-style: chr22-38374034-C-G.
Other names: c.*38+5717C>G (NM_001363825.1); c.294-8127C>G (NM_001301130.2); c.293+10857C>G (NM_001301131.2); short protein forms K179N.
Identifiers: ClinVar variation 1722861 (VCV001722861.3), dbSNP rs2518046835, ClinGen allele CA411497758.

ClinVar aggregate classification (germline): Uncertain significance (1 of 4 stars; one submission).

Allele frequency attached by ClinVar (database versions not stated): gnomAD exomes below 0.00001.
gnomAD v4.1: 1 of 1,611,514 alleles (0.000062%); highest among the groups gnomAD compares: Non-Finnish European, 0.000085%; no homozygotes.

Submission:

GeneDx
Classification: Uncertain significance. Last evaluated: 2024-11-25. Review status: criteria provided, single submitter. Criteria: GeneDx Variant Classification Process June 2021. Collection method: clinical testing. Allele origin: germline. Affected: yes.
Comment: Not observed at significant frequency in large population cohorts (gnomAD); In silico analysis supports that this missense variant has a deleterious effect on protein structure/function; Has not been previously published as pathogenic or benign to our knowledge